The following is an entry in ClinVar:

NM_001370259.2(MEN1):c.1089G>C (p.Glu363Asp)

Gene: MEN1 (menin 1; minus strand). Cytogenetic location: 11q13.1.
Variant type: single nucleotide variant.
Coding change: c.1089G>C on transcript NM_001370259.2 (MANE Select); coding-DNA position 1089, G replaced by C.
Protein change: p.Glu363Asp; replaces glutamic acid 363 with aspartic acid.
Molecular consequence: missense variant.
Genome position (GRCh38, 1-based): chr11:64,805,731, C>G on the plus strand (G>C on the coding strand, the complement: MEN1 is on the minus strand). VCF-style: chr11-64805731-C-G. GRCh37 (hg19) VCF-style: chr11-64573203-C-G.
Other names: c.1104G>C, p.Glu368Asp (NM_000244.4, NM_001407145.1, NM_130800.3 and 4 more transcripts); c.1215G>C, p.Glu405Asp (NM_001370251.2, NM_001407142.1, NM_001407143.1 and 1 more transcripts); c.1089G>C, p.Glu363Asp (NM_001370260.2, NM_001370261.2, NM_001407146.1 and 3 more transcripts); c.984G>C, p.Glu328Asp (NM_001370262.2, NM_001370263.2, NM_001407148.1 and 1 more transcripts); c.1230G>C, p.Glu410Asp (NM_001407150.1); c.1110G>C, p.Glu370Asp (NM_001407151.1); short protein forms E363D, E368D, E405D, E328D, E370D, E410D.
Identifiers: ClinVar variation 1788585 (VCV001788585.7), dbSNP rs2136110455, ClinGen allele CA381182715.

ClinVar aggregate classification (germline): Uncertain significance. Review status: criteria provided, multiple submitters, no conflicts (2 of 4 stars). 2 submissions from 2 submitters: Uncertain significance (2). Last evaluated 2022-01-01.

Conditions:
Hereditary cancer-predisposing syndrome. Also called: Tumor predisposition; Neoplastic Syndromes, Hereditary; Hereditary Cancer Syndrome; Hereditary neoplastic syndrome. Identifiers: Orphanet 140162, MedGen C0027672, MeSH D009386, MONDO:0015356.
Multiple endocrine neoplasia, type 1 (MEN1). Also called: MEN I; WERMER SYNDROME; Endocrine adenomatosis multiple; MEN 1; MEA I. Identifiers: Orphanet 652, MedGen C0025267, MeSH D018761, MONDO:0007540, OMIM 131100.

Submissions (2):

Labcorp Genetics (formerly Invitae), Labcorp
Classification: Uncertain significance for Multiple endocrine neoplasia, type 1. Last evaluated: 2022-01-01. Review status: criteria provided, single submitter. Criteria: Invitae Variant Classification Sherloc (09022015). Collection method: clinical testing. Allele origin: germline.
Comment: In summary, the available evidence is currently insufficient to determine the role of this variant in disease. Therefore, it has been classified as a Variant of Uncertain Significance. Advanced modeling of protein sequence and biophysical properties (such as structural, functional, and spatial information, amino acid conservation, physicochemical variation, residue mobility, and thermodynamic stability) performed at Invitae indicates that this missense variant is expected to disrupt MEN1 protein function. This variant has not been reported in the literature in individuals affected with MEN1-related conditions. This variant is not present in population databases (gnomAD no frequency). This sequence change replaces glutamic acid, which is acidic and polar, with aspartic acid, which is acidic and polar, at codon 363 of the MEN1 protein (p.Glu363Asp).

Ambry Genetics
Classification: Uncertain significance for Hereditary cancer-predisposing syndrome. Last evaluated: 2021-04-16. Review status: criteria provided, single submitter. Criteria: Ambry Variant Classification Scheme 2023. Collection method: clinical testing. Allele origin: germline.
Comment: The p.E363D variant (also known as c.1089G>C), located in coding exon 7 of the MEN1 gene, results from a G to C substitution at nucleotide position 1089. The glutamic acid at codon 363 is replaced by aspartic acid, an amino acid with highly similar properties. This amino acid position is highly conserved in available vertebrate species. In addition, the in silico prediction for this alteration is inconclusive. Since supporting evidence is limited at this time, the clinical significance of this alteration remains unclear.